The following is an entry in ClinVar:

ClinVar aggregate classification (germline): Likely benign. Review status: criteria provided, multiple submitters, no conflicts (2 of 4 stars). 2 submissions from 2 submitters: Likely benign (2). Last evaluated 2025-02-11.

Conditions:
RPGRIP1-related disorder. Also called: RPGRIP1-related condition.
Leber congenital amaurosis 6 (LCA6). Identifiers: Orphanet 65, MedGen C1854260, MONDO:0013446, OMIM 613826.
Cone-rod dystrophy 13 (CORD13). Identifiers: Orphanet 1872, MedGen C2750720, MONDO:0011987, OMIM 608194.

Allele frequency attached by ClinVar (database versions not stated): gnomAD exomes below 0.00001; gnomAD 0.00001; ESP Exome Variant Server 0.00018.

Submissions (2):

PreventionGenetics, part of Exact Sciences
Classification: Likely benign for RPGRIP1-related condition. Last evaluated: 2025-02-11. Review status: criteria provided, single submitter. Criteria: ACMG Guidelines, 2015. Collection method: clinical testing. Allele origin: germline.
Comment: This variant is classified as likely benign based on ACMG/AMP sequence variant interpretation guidelines (Richards et al. 2015 PMID: 25741868, with internal and published modifications).

Labcorp Genetics (formerly Invitae), Labcorp
Classification: Likely benign for Leber congenital amaurosis 6; Cone-rod dystrophy 13. Last evaluated: 2020-03-17. Review status: criteria provided, single submitter. Criteria: Invitae Variant Classification Sherloc (09022015). Collection method: clinical testing. Allele origin: germline.

NM_020366.4(RPGRIP1):c.218+7dup

Gene: RPGRIP1 (RPGR interacting protein 1; plus strand). Cytogenetic location: 14q11.2.
Variant type: Duplication.
Coding change: c.218+7dup on transcript NM_020366.4 (MANE Select); 7 bases into the intron after coding-DNA position 218, one base duplicated (A; older notation c.218+7dupA).
Molecular consequence: intron variant.
Genome position (GRCh38, 1-based): chr14:21,294,816, A duplicated. VCF-style (leftmost placement, unchanged base first): chr14-21294815-T-TA. GRCh37 (hg19) VCF-style: chr14-21762974-T-TA.
Other names: c.218+7dupA (NM_020366.3).
Identifiers: ClinVar variation 1141293 (VCV001141293.9), dbSNP rs1319812899, ClinGen allele CA388857939.